The following is an entry in ClinVar:

ClinVar aggregate classification (germline): Uncertain significance. Review status: criteria provided, multiple submitters, no conflicts (2 of 4 stars). 2 submissions from 2 submitters: Uncertain significance (2). Last evaluated 2026-02-18.

Conditions:
Hereditary cancer-predisposing syndrome. Also called: Tumor predisposition; Hereditary neoplastic syndrome; Hereditary Cancer Syndrome; Neoplastic Syndromes, Hereditary. Identifiers: Orphanet 140162, MedGen C0027672, MeSH D009386, MONDO:0015356.

Allele frequency attached by ClinVar (database versions not stated): TOPMed below 0.00001; gnomAD 0.00001.

Submissions (2):

Ambry Genetics
Classification: Uncertain significance for Hereditary cancer-predisposing syndrome. Last evaluated: 2026-02-18. Review status: criteria provided, single submitter. Criteria: Ambry Variant Classification Scheme 2023. Collection method: clinical testing. Allele origin: germline.
Comment: The c.62G>A variant (also known as p.R21K), located in coding exon 1 of the POLE gene, results from a G to A substitution at nucleotide position 62. The amino acid change results in arginine to lysine at codon 21, an amino acid with highly similar properties. However, this change occurs in the last base pair of coding exon 1, which makes it likely to have some effect on normal mRNA splicing. This nucleotide position is highly conserved in available vertebrate species. This amino acid position is highly conserved in available vertebrate species. In silico splice site analysis for this alteration is inconclusive. In addition, as a missense substitution this is predicted to be tolerated by in silico analysis. Based on the available evidence, the clinical significance of this variant remains unclear.

Labcorp Genetics (formerly Invitae), Labcorp
Classification: Uncertain significance. Last evaluated: 2022-03-08. Review status: criteria provided, single submitter. Criteria: Invitae Variant Classification Sherloc (09022015). Collection method: clinical testing. Allele origin: germline.
Comment: In summary, the available evidence is currently insufficient to determine the role of this variant in disease. Therefore, it has been classified as a Variant of Uncertain Significance. Variants that disrupt the consensus splice site are a relatively common cause of aberrant splicing (PMID: 17576681, 9536098). Algorithms developed to predict the effect of sequence changes on RNA splicing suggest that this variant may disrupt the consensus splice site. Algorithms developed to predict the effect of missense changes on protein structure and function (SIFT, PolyPhen-2, Align-GVGD) all suggest that this variant is likely to be tolerated. ClinVar contains an entry for this variant (Variation ID: 942215). This variant has not been reported in the literature in individuals affected with POLE-related conditions. This variant is not present in population databases (gnomAD no frequency). This sequence change replaces arginine, which is basic and polar, with lysine, which is basic and polar, at codon 21 of the POLE protein (p.Arg21Lys). This variant also falls at the last nucleotide of exon 1, which is part of the consensus splice site for this exon.

Literature cited by the submitters: PubMed 17576681 (cited by Labcorp Genetics (formerly Invitae), Labcorp); PubMed 9536098 (cited by Labcorp Genetics (formerly Invitae), Labcorp).

NM_006231.4(POLE):c.62G>A (p.Arg21Lys)

Genes: POLE (DNA polymerase epsilon, catalytic subunit; minus strand), LOC130009266 (ATAC-STARR-seq lymphoblastoid silent region 5123; plus strand). Cytogenetic location: 12q24.33.
Variant type: single nucleotide variant.
Coding change: c.62G>A on transcript NM_006231.4 (MANE Select); coding-DNA position 62, G replaced by A.
Protein change: p.Arg21Lys; replaces arginine 21 with lysine.
Molecular consequence: missense variant.
Genome position (GRCh38, 1-based): chr12:132,687,254, C>T on the plus strand (G>A on the coding strand, the complement: POLE is on the minus strand). VCF-style: chr12-132687254-C-T. GRCh37 (hg19) VCF-style: chr12-133263840-C-T.
Other names: c.62G>A (NM_006231.2); short protein forms R21K.
Identifiers: ClinVar variation 942215 (VCV000942215.11), dbSNP rs1365779443, ClinGen allele CA387373273.